The following is an entry in ClinVar:

NM_201525.4(ADGRG1):c.1356G>A (p.Thr452=)

Gene: ADGRG1 (adhesion G protein-coupled receptor G1; plus strand). Cytogenetic location: 16q21.
Variant type: single nucleotide variant.
Coding change: c.1356G>A on transcript NM_201525.4 (MANE Select); coding-DNA position 1356, G replaced by A.
Protein change: p.Thr452=; no amino-acid change (threonine 452 retained).
Molecular consequence: synonymous variant.
Genome position (GRCh38, 1-based): chr16:57,659,482, G>A. VCF-style: chr16-57659482-G-A. GRCh37 (hg19) VCF-style: chr16-57693394-G-A.
Other names: c.1356G>A, p.Thr452= (NM_001145770.3, NM_001145772.3, NM_001145774.3 and 7 more transcripts); c.1374G>A, p.Thr458= (NM_001145771.3, NM_001370428.1, NM_001370429.1 and 4 more transcripts); c.1371G>A, p.Thr457= (NM_001145773.3, NM_001370433.1, NM_001370434.1); c.864G>A, p.Thr288= (NM_001290142.2); c.849G>A, p.Thr283= (NM_001290143.2); c.831G>A, p.Thr277= (NM_001290144.2, NM_001370451.1, NM_001370453.1 and 1 more transcripts); c.1353G>A, p.Thr451= (NM_001370441.1); c.1200G>A, p.Thr400= (NM_001370442.1).
Identifiers: ClinVar variation 502500 (VCV000502500.18), dbSNP rs151020094, ClinGen allele CA8078742.
Genomic context (GRCh38, chr16:57,659,482, plus strand): 5'-TCGGGACTACACCATCAAGGTGCACATGAACCTGCTGCTGGCCGTCTTCCTGCTGGACAC[G>A]AGCTTCCTGCTCAGCGAGCCGGTGGCCCTGACAGGCTCTGAGGCTGGCTGCCGAGCCAGT-3'
Protein context (NP_958933.1, residues 442-462): NLLLAVFLLD[Thr452=]SFLLSEPVAL

ClinVar aggregate classification (germline): Conflicting classifications of pathogenicity. Review status: criteria provided, conflicting classifications (1 of 4 stars). 3 submissions from 3 submitters: Uncertain significance (2); Likely benign (1). Last evaluated 2026-01-18.

Allele frequency attached by ClinVar (database versions not stated): gnomAD exomes 0.00006 and 0.00016; ExAC 0.00022; gnomAD 0.00035; 1000 Genomes Project 0.00040; ESP Exome Variant Server 0.00054; TOPMed 0.00059; 1000 Genomes Project 30x 0.00062.
gnomAD v4.1: 150 of 1,613,826 alleles (0.0093%); highest among the groups gnomAD compares: African/African-American, 0.16%; no homozygotes.

Submissions (3):

Labcorp Genetics (formerly Invitae), Labcorp
Classification: Likely benign. Last evaluated: 2026-01-18. Review status: criteria provided, single submitter. Criteria: Invitae Variant Classification Sherloc (09022015). Collection method: clinical testing. Allele origin: germline.

GeneDx
Classification: Uncertain significance. Last evaluated: 2019-12-30. Review status: criteria provided, single submitter. Criteria: GeneDx Variant Classification Process June 2021. Collection method: clinical testing. Allele origin: germline. Affected: yes.
Comment: Has not been previously published as pathogenic or benign to our knowledge

Eurofins Ntd Llc (ga)
Classification: Uncertain significance. Last evaluated: 2017-06-09. Review status: criteria provided, single submitter. Criteria: EGL Classification Definitions 2015. Collection method: clinical testing. Allele origin: germline. Observed: 1 variant allele, 1 heterozygote.